The following is an entry in ClinVar:

ClinVar aggregate classification (germline): Uncertain significance (1 of 4 stars; one submission).

Submission:

GeneDx
Classification: Uncertain significance. Last evaluated: 2025-06-12. Review status: criteria provided, single submitter. Criteria: GeneDx Variant Classification Process June 2021. Collection method: clinical testing. Allele origin: germline. Affected: yes.
Comment: Not observed at significant frequency in large population cohorts (gnomAD); In silico analysis suggests that this missense variant does not alter protein structure/function; Has not been previously published as pathogenic or benign to our knowledge

NM_001373.1:c.7285A>G

Gene: DNAH14 (dynein axonemal heavy chain 14; plus strand).
Variant type: single nucleotide variant.
Identifiers: ClinVar variation 4538123 (VCV004538123.1).